The following is an entry in ClinVar:

ClinVar aggregate classification (germline): Uncertain significance (1 of 4 stars; one submission).

Conditions:
Xeroderma pigmentosum (XP). Identifiers: Orphanet 910, MedGen C0043346, MONDO:0019600.

gnomAD v4.1: 1 of 1,612,080 alleles (0.000062%); highest among the groups gnomAD compares: South Asian, 0.0011%; no homozygotes.

Submission:

Sema4
Classification: Uncertain significance for Xeroderma pigmentosum. Last evaluated: 2021-08-03. Review status: criteria provided, single submitter. Criteria: Sema4 Curation Guidelines. Collection method: curation. Allele origin: germline.
Comment: The ERCC3 c.1343-10G>C variant has not been reported in the literature to our knowledge. It was not observed in the large and broad cohorts of the Genome Aggregation Database. The variant has not been reported in ClinVar. This variant does not overlap a splice site and computational tools predict the variant does not affect splicing, though these predictions have not been confirmed by functional studies. The evidence is insufficient to meet ACMG/AMP criteria for classifying the variant as benign or pathogenic. Thus, the clinical significance of this variant is currently uncertain.

NM_000122.2(ERCC3):c.1343-10G>C

Gene: ERCC3 (ERCC excision repair 3, TFIIH core complex helicase subunit; minus strand). Cytogenetic location: 2q14.3.
Variant type: single nucleotide variant.
Coding change: c.1343-10G>C on transcript NM_000122.2 (MANE Select); 10 bases into the intron before coding-DNA position 1343, G replaced by C.
Molecular consequence: intron variant.
Genome position (GRCh38, 1-based): chr2:127,280,641, C>G on the plus strand (G>C on the coding strand, the complement: ERCC3 is on the minus strand). VCF-style: chr2-127280641-C-G. GRCh37 (hg19) VCF-style: chr2-128038217-C-G.
Other names: c.1151-10G>C (NM_001303416.2, NM_001303418.2).
Identifiers: ClinVar variation 1692158 (VCV001692158.1), dbSNP rs576879627, ClinGen allele CA2573133176.